The following is an entry in ClinVar:

NM_000548.5(TSC2):c.2025A>G (p.Ala675=)

Gene: TSC2 (TSC complex subunit 2; plus strand). Cytogenetic location: 16p13.3.
Variant type: single nucleotide variant.
Coding change: c.2025A>G on transcript NM_000548.5 (MANE Select); coding-DNA position 2025, A replaced by G.
Protein change: p.Ala675=; no amino-acid change (alanine 675 retained).
Molecular consequence: synonymous variant.
Genome position (GRCh38, 1-based): chr16:2,071,862, A>G. VCF-style: chr16-2071862-A-G. GRCh37 (hg19) VCF-style: chr16-2121863-A-G.
Other names: c.2025A>G, p.Ala675= (NM_001077183.3, NM_001114382.3, NM_001363528.2 and 3 more transcripts); c.1914A>G, p.Ala638= (NM_001318827.2); c.1878A>G, p.Ala626= (NM_001318829.2); c.1425A>G, p.Ala475= (NM_001318831.2); c.2058A>G, p.Ala686= (NM_001318832.2).
Identifiers: ClinVar variation 1091343 (VCV001091343.12), dbSNP rs766113544, ClinGen allele CA035804.
Genomic context (GRCh38, chr16:2,071,862, plus strand): 5'-TGAGAAGAAGACCAGCGGCCCCCTTTCTCCTCCCACAGGGCCTCCTGGCCCGGCGCCTGC[A>G]GGCCCCGCCGTGCGGCTGGGGTCCGTGCCCTACTCCCTGCTCTTCCGCGTCCTGCTGCAG-3'
Protein context (NP_000539.2, residues 665-685): PPTGPPGPAP[Ala675=]GPAVRLGSVP

ClinVar aggregate classification (germline): Benign/Likely benign. Review status: criteria provided, multiple submitters, no conflicts (2 of 4 stars). 3 submissions from 3 submitters: Benign (1); Likely benign (2). Last evaluated 2025-05-16.

Conditions:
Hereditary cancer-predisposing syndrome. Also called: Tumor predisposition; Neoplastic Syndromes, Hereditary; Hereditary Cancer Syndrome; Hereditary neoplastic syndrome. Identifiers: Orphanet 140162, MedGen C0027672, MeSH D009386, MONDO:0015356.
Tuberous sclerosis 2 (TSC2). Identifiers: Orphanet 805, MedGen C1860707, MONDO:0013199, OMIM 613254.

Submissions (3):

Myriad Genetics, Inc.
Classification: Benign for Tuberous sclerosis 2. Last evaluated: 2025-05-16. Review status: criteria provided, single submitter. Criteria: Myriad Autosomal Dominant, Autosomal Recessive and X-Linked Classification Criteria (2023). Collection method: clinical testing. Allele origin: unknown.
Comment: This variant is considered benign. This variant is a silent/synonymous amino acid change and it is not expected to impact splicing.

Labcorp Genetics (formerly Invitae), Labcorp
Classification: Likely benign for Tuberous sclerosis 2. Last evaluated: 2022-12-31. Review status: criteria provided, single submitter. Criteria: Invitae Variant Classification Sherloc (09022015). Collection method: clinical testing. Allele origin: germline.

Ambry Genetics
Classification: Likely benign for Hereditary cancer-predisposing syndrome. Last evaluated: 2022-05-26. Review status: criteria provided, single submitter. Criteria: Ambry Variant Classification Scheme 2023. Collection method: clinical testing. Allele origin: germline.